The following is an entry in ClinVar:

ClinVar aggregate classification (germline): Conflicting classifications of pathogenicity. Review status: criteria provided, conflicting classifications (1 of 4 stars). 3 submissions from 2 submitters: Uncertain significance (2); Likely benign (1). Last evaluated 2024-12-19.

Conditions:
Transitory neonatal diabetes mellitus. Also called: Transient neonatal diabetes mellitus. Identifiers: MedGen C0342273, MONDO:0020525, HP:0008255.
Maturity-onset diabetes of the young (MODY). Also called: Maturity onset diabetes mellitus in young. Identifiers: Orphanet 552, MedGen C0342276, MONDO:0018911, HP:0004904.

Allele frequency attached by ClinVar (database versions not stated): gnomAD exomes below 0.00001 and 0.00001; ExAC 0.00001; TOPMed 0.00002.
gnomAD v4.1: 4 of 1,614,202 alleles (0.00025%); highest among the groups gnomAD compares: East Asian, 0.0022%; no homozygotes.

Submissions (3):

Labcorp Genetics (formerly Invitae), Labcorp
Classification: Likely benign. Last evaluated: 2024-12-19. Review status: criteria provided, single submitter. Criteria: Invitae Variant Classification Sherloc (09022015). Collection method: clinical testing. Allele origin: germline.

Clinical Genomics, Uppaluri K&H Personalized Medicine Clinic
Classification: Uncertain significance for Maturity-onset diabetes of the young. Review status: criteria provided, single submitter. Criteria: K & H Uppaluri Personalized Medicine Clinic Variant Classification & Assertion Criteria_Updated V.1. Collection method: research. Allele origin: somatic. Inheritance: Somatic mutation.
Comment: Mutations in ABCC8 gene are associated with both neonatal diabetes mellitus as well as MODY. Patients with this mutation may have a better response to sulfonylureas. However, no sufficient evidence is found to ascertain the role of this particular variant (rs778240883) in MODY yet.

Clinical Genomics, Uppaluri K&H Personalized Medicine Clinic
Classification: Uncertain significance for Transitory neonatal diabetes mellitus. Review status: criteria provided, single submitter. Criteria: K & H Uppaluri Personalized Medicine Clinic Variant Classification & Assertion Criteria_Updated V.1. Collection method: research. Allele origin: somatic. Inheritance: Somatic mutation.
Comment: Mutations in ABCC8 gene are associated with both neonatal diabetes mellitus as well as MODY. Patients with this mutation may have a better response to sulfonylureas. However, no sufficient evidence is found to ascertain the role of this particular variant (rs778240883) in neonatal diabetes yet.

Literature cited by the submitters: PubMed 16885549 (cited by Clinical Genomics, Uppaluri K&H Personalized Medicine Clinic); PubMed 21989597 (cited by Clinical Genomics, Uppaluri K&H Personalized Medicine Clinic); PubMed 27538677 (cited by Clinical Genomics, Uppaluri K&H Personalized Medicine Clinic); PubMed 18981553 (cited by Clinical Genomics, Uppaluri K&H Personalized Medicine Clinic); PubMed 32027066 (cited by Clinical Genomics, Uppaluri K&H Personalized Medicine Clinic); PubMed 16613899 (cited by Clinical Genomics, Uppaluri K&H Personalized Medicine Clinic); PubMed 18025408 (cited by Clinical Genomics, Uppaluri K&H Personalized Medicine Clinic); PubMed 32792356 (cited by Clinical Genomics, Uppaluri K&H Personalized Medicine Clinic).

NM_000352.6(ABCC8):c.3174C>T (p.Leu1058=)

Gene: ABCC8 (ATP binding cassette subfamily C member 8; minus strand). Cytogenetic location: 11p15.1.
Variant type: single nucleotide variant.
Coding change: c.3174C>T on transcript NM_000352.6 (MANE Select); coding-DNA position 3174, C replaced by T.
Protein change: p.Leu1058=; no amino-acid change (leucine 1058 retained).
Molecular consequence: synonymous variant. On other transcripts: non-coding transcript variant (1).
Genome position (GRCh38, 1-based): chr11:17,406,777, G>A on the plus strand (C>T on the coding strand, the complement: ABCC8 is on the minus strand). VCF-style: chr11-17406777-G-A. GRCh37 (hg19) VCF-style: chr11-17428324-G-A.
Other names: c.3177C>T, p.Leu1059= (NM_001287174.3); c.3240C>T, p.Leu1080= (NM_001351295.2); c.3174C>T, p.Leu1058= (NM_001351296.2); c.3171C>T, p.Leu1057= (NM_001351297.2).
Identifiers: ClinVar variation 792576 (VCV000792576.11), dbSNP rs778240883, ClinGen allele CA5902894.